The following is an entry in ClinVar:

NM_016335.6(PRODH):c.1363G>T (p.Ala455Ser)

Gene: PRODH (proline dehydrogenase 1; minus strand). Cytogenetic location: 22q11.21.
Variant type: single nucleotide variant.
Coding change: c.1363G>T on transcript NM_016335.6 (MANE Select); coding-DNA position 1363, G replaced by T.
Protein change: p.Ala455Ser; replaces alanine 455 with serine.
Molecular consequence: missense variant.
Genome position (GRCh38, 1-based): chr22:18,918,380, C>A on the plus strand (G>T on the coding strand, the complement: PRODH is on the minus strand). VCF-style: chr22-18918380-C-A. GRCh37 (hg19) VCF-style: chr22-18905893-C-A.
Other names: c.1039G>T, p.Ala347Ser (NM_001195226.2); short protein forms A455S, A347S.
Identifiers: ClinVar variation 4009 (VCV000004009.29), dbSNP rs1807467, ClinGen allele CA116576.

ClinVar aggregate classification (germline): Conflicting classifications of pathogenicity. Review status: criteria provided, conflicting classifications (1 of 4 stars). 6 submissions from 5 submitters: Uncertain significance (3); Likely benign (1). 2 of the submissions do not count toward it. Last evaluated 2024-09-01.

Conditions:
Inborn genetic diseases. Identifiers: MedGen C0950123, MeSH D030342.
Schizophrenia 4 (SCZD4). Also called: SCHIZOPHRENIA SUSCEPTIBILITY LOCUS, CHROMOSOME 22q11-RELATED; SCHIZOPHRENIA, SUSCEPTIBILITY TO, 4. Identifiers: MedGen C1833247, MONDO:0010943, OMIM 600850.
Proline dehydrogenase deficiency (HYRPRO1). Also called: Hyperprolinemia type 1; PROLINE OXIDASE DEFICIENCY. Identifiers: Orphanet 419, MedGen C0268529, MONDO:0009400, OMIM 239500.

Allele frequency attached by ClinVar (database versions not stated): 1000 Genomes Project 30x 0.00094; gnomAD exomes 0.00094 and 0.00188; gnomAD 0.00112 and 0.00118; ExAC 0.00128.
gnomAD v4.1: 421 of 236,132 alleles (0.18%); highest among the groups gnomAD compares: East Asian, 0.42%; 21 homozygotes.

Submissions (6):

CeGaT Center for Human Genetics Tuebingen
Classification: Likely benign. Last evaluated: 2024-09-01. Review status: criteria provided, single submitter. Criteria: CeGaT Center For Human Genetics Tuebingen Variant Classification Criteria Version 2. Collection method: clinical testing. Allele origin: germline. Affected: yes. Observed: 2 variant alleles.
Comment: PRODH: BP4, BS2

Department of Pathology and Laboratory Medicine, Sinai Health System
Classification: Uncertain significance for Proline dehydrogenase deficiency; Schizophrenia 4. Last evaluated: 2023-02-24. Review status: criteria provided, single submitter. Criteria: ACMG Guidelines, 2015. Collection method: research. Allele origin: germline.

Labcorp Genetics (formerly Invitae), Labcorp
Classification: Uncertain significance for Proline dehydrogenase deficiency. Last evaluated: 2022-07-12. Review status: criteria provided, single submitter. Criteria: Invitae Variant Classification Sherloc (09022015). Collection method: clinical testing. Allele origin: germline.
Comment: This sequence change replaces alanine, which is neutral and non-polar, with serine, which is neutral and polar, at codon 455 of the PRODH protein (p.Ala455Ser). This variant is present in population databases (rs1807467, gnomAD 0.1%), and has an allele count higher than expected for a pathogenic variant. This variant has not been reported in the literature in individuals affected with PRODH-related conditions. ClinVar contains an entry for this variant (Variation ID: 4009). Algorithms developed to predict the effect of missense changes on protein structure and function output the following: SIFT: "Tolerated"; PolyPhen-2: "Benign"; Align-GVGD: "Class C0". The serine amino acid residue is found in multiple mammalian species, which suggests that this missense change does not adversely affect protein function. Experimental studies have shown that this missense change affects PRODH function (PMID: 15662599). In summary, the available evidence is currently insufficient to determine the role of this variant in disease. Therefore, it has been classified as a Variant of Uncertain Significance.

Ambry Genetics
Classification: Uncertain significance for Inborn genetic diseases. Last evaluated: 2021-04-09. Review status: criteria provided, single submitter. Criteria: Ambry Variant Classification Scheme 2023. Collection method: clinical testing. Allele origin: germline.

OMIM
Classification: Pathogenic for HYPERPROLINEMIA, TYPE I. Last evaluated: 2005-03-01. Review status: no assertion criteria provided. Collection method: literature only. Allele origin: germline. Not counted in ClinVar's aggregate classification.

OMIM
Classification: risk factor for SCHIZOPHRENIA, SUSCEPTIBILITY TO, 4. Last evaluated: 2005-03-01. Review status: no assertion criteria provided. Collection method: literature only. Allele origin: germline. Not counted in ClinVar's aggregate classification.

Literature cited by the submitters: PubMed 15662599 (cited by Labcorp Genetics (formerly Invitae), Labcorp and OMIM); PubMed 12217952 (cited by OMIM).